The following is an entry in ClinVar:

NM_007078.3(LDB3):c.2066C>G (p.Thr689Ser)

Gene: LDB3 (LIM domain binding 3; plus strand). Cytogenetic location: 10q23.2.
Variant type: single nucleotide variant.
Coding change: c.2066C>G on transcript NM_007078.3 (MANE Select); coding-DNA position 2066, C replaced by G.
Protein change: p.Thr689Ser; replaces threonine 689 with serine.
Molecular consequence: missense variant.
Genome position (GRCh38, 1-based): chr10:86,726,224, C>G. VCF-style: chr10-86726224-C-G. GRCh37 (hg19) VCF-style: chr10-88485981-C-G.
Other names: c.1736C>G, p.Thr579Ser (NM_001080114.2); c.2081C>G, p.Thr694Ser (NM_001171610.2); c.1877C>G, p.Thr626Ser (NM_001368064.1, NM_001368065.1); c.1925C>G, p.Thr642Ser (NM_001368066.1); short protein forms T626S, T694S, T579S, T642S, T689S.
Identifiers: ClinVar variation 970355 (VCV000970355.8), dbSNP rs1847250272, ClinGen allele CA377457795.

ClinVar aggregate classification (germline): Uncertain significance (1 of 4 stars; one submission).

Conditions:
Myofibrillar myopathy 4. Also called: Zaspopathy (type). Identifiers: Orphanet 98912, MedGen C4721886, MONDO:0012277, OMIM 609452.

Submission:

Labcorp Genetics (formerly Invitae), Labcorp
Classification: Uncertain significance for Myofibrillar myopathy 4. Last evaluated: 2022-12-21. Review status: criteria provided, single submitter. Criteria: Invitae Variant Classification Sherloc (09022015). Collection method: clinical testing. Allele origin: germline.
Comment: The LDB3 gene has multiple clinically relevant transcripts. This variant occurs in alternate transcript NM_007078.3, and corresponds to NM_001080116.1:c.*26850C>G in the primary transcript. This sequence change replaces threonine, which is neutral and polar, with serine, which is neutral and polar, at codon 689 of the LDB3 protein (p.Thr689Ser). This variant is not present in population databases (gnomAD no frequency). This variant has not been reported in the literature in individuals affected with LDB3-related conditions. ClinVar contains an entry for this variant (Variation ID:970355). Experimental studies and prediction algorithms are not available or were not evaluated, and the functional significance of this variant is currently unknown. In summary, the available evidence is currently insufficient to determine the role of this variant in disease. Therefore, it has been classified as a Variant of Uncertain Significance.